The following is an entry in ClinVar:

NM_000057.4(BLM):c.2900C>G (p.Pro967Arg)

Gene: BLM (BLM RecQ like helicase; plus strand). Cytogenetic location: 15q26.1.
Variant type: single nucleotide variant.
Coding change: c.2900C>G on transcript NM_000057.4 (MANE Select); coding-DNA position 2900, C replaced by G.
Protein change: p.Pro967Arg; replaces proline 967 with arginine.
Molecular consequence: missense variant.
Genome position (GRCh38, 1-based): chr15:90,790,725, C>G. VCF-style: chr15-90790725-C-G. GRCh37 (hg19) VCF-style: chr15-91333955-C-G.
Other names: c.2900C>G, p.Pro967Arg (NM_001287246.2, NM_001287247.2); c.1775C>G, p.Pro592Arg (NM_001287248.2); short protein forms P592R, P967R.
Identifiers: ClinVar variation 2748371 (VCV002748371.3), dbSNP rs2151184560, ClinGen allele CA393846374.

ClinVar aggregate classification (germline): Uncertain significance (1 of 4 stars; one submission).

Conditions:
Bloom syndrome (BLM). Also called: Bloom-Torre-Machacek syndrome. Identifiers: Orphanet 125, MedGen C0005859, MONDO:0008876, OMIM 210900.

Submission:

Labcorp Genetics (formerly Invitae), Labcorp
Classification: Uncertain significance for Bloom syndrome. Last evaluated: 2023-07-30. Review status: criteria provided, single submitter. Criteria: Invitae Variant Classification Sherloc (09022015). Collection method: clinical testing. Allele origin: germline.
Comment: This sequence change replaces proline, which is neutral and non-polar, with arginine, which is basic and polar, at codon 967 of the BLM protein (p.Pro967Arg). This variant is not present in population databases (gnomAD no frequency). This variant has not been reported in the literature in individuals affected with BLM-related conditions. Advanced modeling of protein sequence and biophysical properties (such as structural, functional, and spatial information, amino acid conservation, physicochemical variation, residue mobility, and thermodynamic stability) performed at Invitae indicates that this missense variant is expected to disrupt BLM protein function. In summary, the available evidence is currently insufficient to determine the role of this variant in disease. Therefore, it has been classified as a Variant of Uncertain Significance.